The following is an entry in ClinVar:

ClinVar aggregate classification (germline): Uncertain significance (1 of 4 stars; one submission).

Allele frequency attached by ClinVar (database versions not stated): ExAC 0.00014; TOPMed 0.00018; ESP Exome Variant Server 0.00015; gnomAD 0.00015.

Submission:

Labcorp Genetics (formerly Invitae), Labcorp
Classification: Uncertain significance. Last evaluated: 2022-05-25. Review status: criteria provided, single submitter. Criteria: Invitae Variant Classification Sherloc (09022015). Collection method: clinical testing. Allele origin: germline.
Comment: This sequence change replaces proline, which is neutral and non-polar, with leucine, which is neutral and non-polar, at codon 88 of the ATP6V0A4 protein (p.Pro88Leu). This variant is present in population databases (rs200954029, gnomAD 0.02%). This variant has not been reported in the literature in individuals affected with ATP6V0A4-related conditions. ClinVar contains an entry for this variant (Variation ID: 971434). Algorithms developed to predict the effect of missense changes on protein structure and function are either unavailable or do not agree on the potential impact of this missense change (SIFT: "Tolerated"; PolyPhen-2: "Possibly Damaging"; Align-GVGD: "Class C0"). In summary, the available evidence is currently insufficient to determine the role of this variant in disease. Therefore, it has been classified as a Variant of Uncertain Significance.

NM_020632.3(ATP6V0A4):c.263C>T (p.Pro88Leu)

Gene: ATP6V0A4 (ATPase H+ transporting V0 subunit a4; minus strand). Cytogenetic location: 7q34.
Variant type: single nucleotide variant.
Coding change: c.263C>T on transcript NM_020632.3 (MANE Select); coding-DNA position 263, C replaced by T.
Protein change: p.Pro88Leu; replaces proline 88 with leucine.
Molecular consequence: missense variant.
Genome position (GRCh38, 1-based): chr7:138,768,808, G>A on the plus strand (C>T on the coding strand, the complement: ATP6V0A4 is on the minus strand). VCF-style: chr7-138768808-G-A. GRCh37 (hg19) VCF-style: chr7-138453553-G-A.
Other names: c.263C>T, p.Pro88Leu (NM_130840.3, NM_130841.3); short protein forms P88L.
Identifiers: ClinVar variation 971434 (VCV000971434.5), dbSNP rs200954029, ClinGen allele CA4505188.
Genomic context (GRCh38, chr7:138,768,808, plus strand): 5'-ACCTGGGGAGGCCAGCAAAGTGGAGAACTTACCTCCAGGGTAATCATTTCCCGTGGGAGC[G>A]GGGTCAGTGGGCTTTTCTCGAGCAACTGAACTACAATCTCATTTTGCATCTCGTCTTCCA-3'
Protein context (NP_065683.2, residues 78-98): VQLLEKSPLT[Pro88Leu]LPREMITLET